The following is an entry in ClinVar:

NM_000709.3(BCKDHA):c.-312A>T

Gene: BCKDHA (branched chain keto acid dehydrogenase E1 subunit alpha; plus strand). Cytogenetic location: 19q13.2.
Variant type: single nucleotide variant.
Coding change: c.-312A>T on transcript NM_000709.3; 312 bases upstream of the start codon, A replaced by T.
Genome position (GRCh38, 1-based): chr19:41,397,516, A>T. VCF-style: chr19-41397516-A-T. GRCh37 (hg19) VCF-style: chr19-41903421-A-T.
Identifiers: ClinVar variation 680489 (VCV000680489.4), dbSNP rs12983789, ClinGen allele CA14643292.

ClinVar aggregate classification (germline): Benign. Review status: criteria provided, multiple submitters, no conflicts (2 of 4 stars). 2 submissions from 2 submitters: Benign (2). Last evaluated 2018-06-19.

Allele frequency attached by ClinVar (database versions not stated): gnomAD 0.26042 and 0.25425; gnomAD exomes 0.30893; 1000 Genomes Project 0.13478; 1000 Genomes Project 30x 0.13492; TOPMed 0.24807.

Submissions (2):

GeneDx
Classification: Benign. Last evaluated: 2018-06-19. Review status: criteria provided, single submitter. Criteria: GeneDx Variant Classification (06012015). Collection method: clinical testing. Allele origin: germline. Affected: yes.
Comment: This variant is considered likely benign or benign based on one or more of the following criteria: it is a conservative change, it occurs at a poorly conserved position in the protein, it is predicted to be benign by multiple in silico algorithms, and/or has population frequency not consistent with disease.

Breakthrough Genomics
Classification: Benign. Review status: criteria provided, single submitter. Criteria: ACMG Guidelines, 2015. Collection method: not provided. Allele origin: germline. Inheritance: Autosomal recessive inheritance. Affected: yes.